The following is an entry in ClinVar:

ClinVar aggregate classification (germline): Uncertain significance (1 of 4 stars; one submission).

Conditions:
Ellis-van Creveld syndrome (EVC). Also called: EVC-Related Ellis-van Creveld Syndrome; EVC2-Related Ellis-van Creveld Syndrome; Chondroectodermal dysplasia; MESOECTODERMAL DYSPLASIA. Identifiers: Orphanet 289, MedGen C0013903, MONDO:0009162, OMIM 225500.

Submission:

Baylor Genetics
Classification: Uncertain significance for Ellis-van Creveld syndrome. Last evaluated: 2019-06-26. Review status: criteria provided, single submitter. Criteria: ACMG Guidelines, 2015. Collection method: clinical testing. Allele origin: unknown. Affected: yes.
Comment: This variant was determined to be of uncertain significance according to ACMG Guidelines, 2015 [PMID:25741868].

NM_147127.5(EVC2):c.1374T>G (p.Cys458Trp)

Genes: EVC2 (EvC ciliary complex subunit 2; minus strand), LOC126806961 (BRD4-independent group 4 enhancer GRCh37_chr4:5641443-5642642; plus strand). Cytogenetic location: 4p16.2.
Variant type: single nucleotide variant.
Coding change: c.1374T>G on transcript NM_147127.5 (MANE Select); coding-DNA position 1374, T replaced by G.
Protein change: p.Cys458Trp; replaces cysteine 458 with tryptophan.
Molecular consequence: missense variant.
Genome position (GRCh38, 1-based): chr4:5,640,610, A>C on the plus strand (T>G on the coding strand, the complement: EVC2 is on the minus strand). VCF-style: chr4-5640610-A-C. GRCh37 (hg19) VCF-style: chr4-5642337-A-C.
Other names: c.1134T>G, p.Cys378Trp (NM_001166136.2); short protein forms C458W, C378W.
Identifiers: ClinVar variation 1027772 (VCV001027772.1), dbSNP rs1717255624, ClinGen allele CA356151542.